The following is an entry in ClinVar:

ClinVar aggregate classification (germline): Benign. Review status: criteria provided, multiple submitters, no conflicts (2 of 4 stars). 4 submissions from 4 submitters: Benign (4). Last evaluated 2026-02-04.

Conditions:
Lipoic acid synthetase deficiency. Also called: HYPERGLYCINEMIA, LACTIC ACIDOSIS, AND SEIZURES. Identifiers: Orphanet 401859, MedGen C3280887, MONDO:0013762, OMIM 614462.

Allele frequency attached by ClinVar (database versions not stated): ESP Exome Variant Server 0.29202; TOPMed 0.29937; gnomAD 0.30396 and 0.31102; 1000 Genomes Project 30x 0.33354; 1000 Genomes Project 0.33686; gnomAD exomes 0.36171 and 0.37169; ExAC 0.36545.
gnomAD v4.1: 564,997 of 1,588,504 alleles (36%); highest among the groups gnomAD compares: South Asian, 44%; 104,440 homozygotes.

Submissions (7):

Labcorp Genetics (formerly Invitae), Labcorp
Classification: Benign for Lipoic acid synthetase deficiency. Last evaluated: 2026-02-04. Review status: criteria provided, single submitter. Criteria: Invitae Variant Classification Sherloc (09022015). Collection method: clinical testing. Allele origin: germline.

Genome-Nilou Lab
Classification: Benign for Lipoic acid synthetase deficiency. Last evaluated: 2021-08-19. Review status: criteria provided, single submitter. Criteria: ACMG Guidelines, 2015. Collection method: clinical testing. Allele origin: germline. Affected: no.

GeneDx
Classification: Benign. Last evaluated: 2013-10-08. Review status: criteria provided, single submitter. Criteria: GeneDx Variant Classification (06012015). Collection method: clinical testing. Allele origin: germline. Affected: yes.
Comment: This variant is considered likely benign or benign based on one or more of the following criteria: it is a conservative change, it occurs at a poorly conserved position in the protein, it is predicted to be benign by multiple in silico algorithms, and/or has population frequency not consistent with disease.

Breakthrough Genomics
Classification: Benign. Review status: criteria provided, single submitter. Criteria: ACMG Guidelines, 2015. Collection method: not provided. Allele origin: germline. Inheritance: Autosomal recessive inheritance. Affected: yes.

Dr. Peter K. Rogan Lab, Western University
No classification provided (evidence only). Condition: Familial cancer of breast. Review status: no classification provided. Collection method: in vitro. Allele origin: not applicable. Functional consequence: retained intron. Not counted in ClinVar's aggregate classification.

Dr. Peter K. Rogan Lab, Western University
No classification provided (evidence only). Condition: Hepatocellular carcinoma. Review status: no classification provided. Collection method: in vitro. Allele origin: not applicable. Functional consequence: retained intron. Not counted in ClinVar's aggregate classification.

Dr. Peter K. Rogan Lab, Western University
No classification provided (evidence only). Condition: Pancreatic adenocarcinoma. Review status: no classification provided. Collection method: in vitro. Allele origin: not applicable. Functional consequence: retained intron. Not counted in ClinVar's aggregate classification.

NM_006859.4(LIAS):c.884-14T>A

Gene: LIAS (lipoic acid synthetase; plus strand). Cytogenetic location: 4p14.
Variant type: single nucleotide variant.
Coding change: c.884-14T>A on transcript NM_006859.4 (MANE Select); 14 bases into the intron before coding-DNA position 884, T replaced by A.
Molecular consequence: intron variant.
Genome position (GRCh38, 1-based): chr4:39,471,222, T>A. VCF-style: chr4-39471222-T-A. GRCh37 (hg19) VCF-style: chr4-39472842-T-A.
Other names: c.884-14T>A (NM_194451.3); c.755-14T>A (NM_001278590.2); c.575-14T>A (NM_001363700.2).
Identifiers: ClinVar variation 138117 (VCV000138117.14), dbSNP rs2125314, ClinGen allele CA291929.